The following is an entry in ClinVar:

ClinVar aggregate classification (germline): Uncertain significance. Review status: criteria provided, multiple submitters, no conflicts (2 of 4 stars). 2 submissions from 2 submitters: Uncertain significance (2). Last evaluated 2025-11-15.

Conditions:
Baller-Gerold syndrome (BGS). Also called: CRANIOSYNOSTOSIS WITH RADIAL DEFECTS. Identifiers: Orphanet 1225, MedGen C0265308, MONDO:0009039, OMIM 218600.
Inborn genetic diseases. Identifiers: MedGen C0950123, MeSH D030342.

Allele frequency attached by ClinVar (database versions not stated): gnomAD exomes below 0.00001; ExAC 0.00001; ESP Exome Variant Server 0.00008.

Submissions (2):

Ambry Genetics
Classification: Uncertain significance for Inborn genetic diseases. Last evaluated: 2025-11-15. Review status: criteria provided, single submitter. Criteria: Ambry Variant Classification Scheme 2023. Collection method: clinical testing. Allele origin: germline.
Comment: The p.V443M variant (also known as c.1327G>A), located in coding exon 7 of the RECQL4 gene, results from a G to A substitution at nucleotide position 1327. The valine at codon 443 is replaced by methionine, an amino acid with highly similar properties. This amino acid position is conserved. In addition, this alteration is predicted to be tolerated by in silico analysis. Based on the available evidence, the clinical significance of this variant remains unclear.

Labcorp Genetics (formerly Invitae), Labcorp
Classification: Uncertain significance for Baller-Gerold syndrome. Last evaluated: 2020-12-03. Review status: criteria provided, single submitter. Criteria: Invitae Variant Classification Sherloc (09022015). Collection method: clinical testing. Allele origin: germline.
Comment: In summary, the available evidence is currently insufficient to determine the role of this variant in disease. Therefore, it has been classified as a Variant of Uncertain Significance. Experimental studies and prediction algorithms are not available or were not evaluated, and the functional significance of this variant is currently unknown. This variant has not been reported in the literature in individuals with RECQL4-related conditions. This variant is present in population databases (rs375694004, ExAC 0.002%). This sequence change replaces valine with methionine at codon 443 of the RECQL4 protein (p.Val443Met). The valine residue is weakly conserved and there is a small physicochemical difference between valine and methionine.

NM_004260.4(RECQL4):c.1327G>A (p.Val443Met)

Gene: RECQL4 (RecQ like helicase 4; minus strand). Cytogenetic location: 8q24.3.
Variant type: single nucleotide variant.
Coding change: c.1327G>A on transcript NM_004260.4 (MANE Select); coding-DNA position 1327, G replaced by A.
Protein change: p.Val443Met; replaces valine 443 with methionine.
Molecular consequence: missense variant.
Genome position (GRCh38, 1-based): chr8:144,515,389, C>T on the plus strand (G>A on the coding strand, the complement: RECQL4 is on the minus strand). VCF-style: chr8-144515389-C-T. GRCh37 (hg19) VCF-style: chr8-145740773-C-T.
Other names: c.1327G>A (NM_004260.3); short protein forms V443M.
Identifiers: ClinVar variation 1402122 (VCV001402122.7), dbSNP rs375694004, ClinGen allele CA4948912.